The following is an entry in ClinVar:

ClinVar aggregate classification (germline): Uncertain significance (1 of 4 stars; one submission).

gnomAD v4.1: 1 of 1,599,728 alleles (0.000063%); highest among the groups gnomAD compares: Non-Finnish European, 0.000086%; no homozygotes.

Submission:

Women's Health and Genetics/Laboratory Corporation of America, LabCorp
Classification: Uncertain significance. Last evaluated: 2025-04-01. Review status: criteria provided, single submitter. Criteria: LabCorp Variant Classification Summary - May 2015. Collection method: clinical testing. Allele origin: germline.
Comment: Variant summary: LRP5 c.4489-8C>T alters a non-conserved nucleotide located close to a canonical splice site and therefore could affect mRNA splicing, leading to a significantly altered protein sequence. Consensus agreement among computation tools predict no significant impact on normal splicing. However, these predictions have yet to be confirmed by functional studies. The variant was absent in 251124 control chromosomes (gnomAD). The available data on variant occurrences in the general population are insufficient to allow any conclusion about variant significance. To our knowledge, no occurrence of c.4489-8C>T in individuals affected with Familial Exudative Vitreoretinopathy and no experimental evidence demonstrating its impact on protein function have been reported. No submitters have cited clinical-significance assessments for this variant to ClinVar. Based on the evidence outlined above, the variant was classified as uncertain significance.

NM_002335.4(LRP5):c.4489-8C>T

Gene: LRP5 (LDL receptor related protein 5; plus strand). Cytogenetic location: 11q13.2.
Variant type: single nucleotide variant.
Coding change: c.4489-8C>T on transcript NM_002335.4 (MANE Select); 8 bases into the intron before coding-DNA position 4489, C replaced by T.
Molecular consequence: intron variant.
Genome position (GRCh38, 1-based): chr11:68,446,428, C>T. VCF-style: chr11-68446428-C-T. GRCh37 (hg19) VCF-style: chr11-68213896-C-T.
Other names: c.2746-8C>T (NM_001291902.2).
Identifiers: ClinVar variation 3896566 (VCV003896566.2).